The following is an entry in ClinVar:

ClinVar aggregate classification (germline): Uncertain significance (1 of 4 stars; one submission).

Conditions:
Inborn genetic diseases. Identifiers: MedGen C0950123, MeSH D030342.

Submission:

Ambry Genetics
Classification: Uncertain significance for Inborn genetic diseases. Last evaluated: 2022-11-04. Review status: criteria provided, single submitter. Criteria: Ambry Variant Classification Scheme 2023. Collection method: clinical testing. Allele origin: germline.
Comment: The p.S148T variant (also known as c.443G>C), located in coding exon 4 of the EPAS1 gene, results from a G to C substitution at nucleotide position 443. The serine at codon 148 is replaced by threonine, an amino acid with similar properties. This amino acid position is conserved. In addition, this alteration is predicted to be tolerated by in silico analysis. Since supporting evidence is limited at this time, the clinical significance of this alteration remains unclear.

NM_001430.5(EPAS1):c.443G>C (p.Ser148Thr)

Gene: EPAS1 (endothelial PAS domain protein 1; plus strand). Cytogenetic location: 2p21.
Variant type: single nucleotide variant.
Coding change: c.443G>C on transcript NM_001430.5 (MANE Select); coding-DNA position 443, G replaced by C.
Protein change: p.Ser148Thr; replaces serine 148 with threonine.
Molecular consequence: missense variant.
Genome position (GRCh38, 1-based): chr2:46,356,797, G>C. VCF-style: chr2-46356797-G-C. GRCh37 (hg19) VCF-style: chr2-46583936-G-C.
Other names: short protein forms S148T.
Identifiers: ClinVar variation 2450287 (VCV002450287.2), dbSNP rs2546451148, ClinGen allele CA346698360.
Genomic context (GRCh38, chr2:46,356,797, plus strand): 5'-GACATAGTATCTTTGACTTCACTCATCCCTGCGACCATGAGGAGATTCGTGAGAACCTGA[G>C]TCTCAAAAATGGTATCCTTAATTGTGTTTACTTCCTTCTTGCCCCCACTGGGTGGGAATC-3'
Protein context (NP_001421.2, residues 138-158): CDHEEIRENL[Ser148Thr]LKNGSGFGKK